The following is an entry in ClinVar:

ClinVar aggregate classification (germline): Uncertain significance (1 of 4 stars; one submission).

Conditions:
Primary ciliary dyskinesia. Also called: Ciliary dyskinesia. Identifiers: Orphanet 244, MedGen C0008780, MONDO:0016575, HP:0012265.

gnomAD v4.1: 1 of 1,614,126 alleles (0.000062%); highest among the groups gnomAD compares: Admixed American, 0.0017%; no homozygotes.

Submission:

Ambry Genetics
Classification: Uncertain significance for Primary ciliary dyskinesia. Last evaluated: 2022-06-22. Review status: criteria provided, single submitter. Criteria: Ambry Variant Classification Scheme 2023. Collection method: clinical testing. Allele origin: germline.
Comment: The p.I2726L variant (also known as c.8176A>T), located in coding exon 49 of the DNAH5 gene, results from an A to T substitution at nucleotide position 8176. The isoleucine at codon 2726 is replaced by leucine, an amino acid with highly similar properties. This amino acid position is conserved. In addition, this alteration is predicted to be tolerated by in silico analysis. Since supporting evidence is limited at this time, the clinical significance of this alteration remains unclear.

NM_001369.3(DNAH5):c.8176A>T (p.Ile2726Leu)

Gene: DNAH5 (dynein axonemal heavy chain 5; minus strand). Cytogenetic location: 5p15.2.
Variant type: single nucleotide variant.
Coding change: c.8176A>T on transcript NM_001369.3 (MANE Select); coding-DNA position 8176, A replaced by T.
Protein change: p.Ile2726Leu; replaces isoleucine 2726 with leucine.
Molecular consequence: missense variant.
Genome position (GRCh38, 1-based): chr5:13,793,563, T>A on the plus strand (A>T on the coding strand, the complement: DNAH5 is on the minus strand). VCF-style: chr5-13793563-T-A. GRCh37 (hg19) VCF-style: chr5-13793672-T-A.
Other names: short protein forms I2726L.
Identifiers: ClinVar variation 1762294 (VCV001762294.2), dbSNP rs756343680, ClinGen allele CA359221148.